The following is an entry in ClinVar:

ClinVar aggregate classification (germline): Pathogenic. Review status: criteria provided, multiple submitters, no conflicts (2 of 4 stars). 2 submissions from 2 submitters: Pathogenic (2). Last evaluated 2021-01-01.

Submissions (2):

ARUP Laboratories, Molecular Genetics and Genomics, ARUP Laboratories
Classification: Pathogenic. Last evaluated: 2021-01-01. Review status: criteria provided, single submitter. Criteria: ARUP Molecular Germline Variant Investigation Process 2021. Collection method: clinical testing. Allele origin: germline.
Comment: The DMD c.336G>A; p.Trp112Ter variant (rs398123936) is reported in the literature and gene specific databases in multiple individuals affected with Becker or intermediate muscular dystrophy (Ma 2018, Torella 2020). The variant is reported in the ClinVar database (Variation ID: 94585) and is absent from general population databases (Exome Variant Server, Genome Aggregation Database), indicating it is not a common polymorphism. This variant induces an early termination codon and is predicted to result in a truncated protein or mRNA subject to nonsense-mediated decay. Based on available information, this variant is considered to be pathogenic. References: Ma P et al. Comprehensive genetic characteristics of dystrophinopathies in China. Orphanet J Rare Dis. 2018 Jul 4;13(1):109. PMID: 29973226 Torella A et al. The position of nonsense mutations can predict the phenotype severity: A survey on the DMD gene. PLoS One. 2020 Aug 19;15(8):e0237803. PMID: 32813700 The UMD TREAT-NMD DMD mutations database: LOVD

Eurofins Ntd Llc (ga)
Classification: Pathogenic. Last evaluated: 2013-11-22. Review status: criteria provided, single submitter. Criteria: EGL Classification Definitions 2015. Collection method: clinical testing. Allele origin: germline. Observed: 1 variant allele, 1 homozygote.

NM_004006.3(DMD):c.336G>A (p.Trp112Ter)

Gene: DMD (dystrophin; minus strand). Cytogenetic location: Xp21.1.
Variant type: single nucleotide variant.
Coding change: c.336G>A on transcript NM_004006.3 (MANE Select); coding-DNA position 336, G replaced by A.
Protein change: p.Trp112Ter; replaces tryptophan 112 with a stop codon.
Molecular consequence: nonsense. On other transcripts: 5 prime UTR variant (1).
Genome position (GRCh38, 1-based): chrX:32,823,316, C>T on the plus strand (G>A on the coding strand, the complement: DMD is on the minus strand). VCF-style: chrX-32823316-C-T. GRCh37 (hg19) VCF-style: chrX-32841433-C-T.
Other names: NP_003997.1:p.Trp112*; c.312G>A, p.Trp104Ter (NM_000109.4); c.324G>A, p.Trp108Ter (NM_004009.3); c.-34G>A (NM_004010.3); short protein forms W112*, W108*, W104*.
Identifiers: ClinVar variation 94585 (VCV000094585.13), dbSNP rs398123936, ClinGen allele CA266997.